The following is an entry in ClinVar:

ClinVar aggregate classification (germline): Uncertain significance (1 of 4 stars; one submission).

Conditions:
Cardiovascular phenotype. Identifiers: MedGen CN230736.

Submission:

Ambry Genetics
Classification: Uncertain significance for Cardiovascular phenotype. Last evaluated: 2024-06-07. Review status: criteria provided, single submitter. Criteria: Ambry Variant Classification Scheme 2023. Collection method: clinical testing. Allele origin: germline.
Comment: The p.F60C variant (also known as c.179T>G), located in coding exon 1 of the JPH2 gene, results from a T to G substitution at nucleotide position 179. The phenylalanine at codon 60 is replaced by cysteine, an amino acid with highly dissimilar properties. This amino acid position is conserved. In addition, this alteration is predicted to be tolerated by in silico analysis. Based on the available evidence, the clinical significance of this variant remains unclear.

NM_020433.5(JPH2):c.179T>G (p.Phe60Cys)

Gene: JPH2 (junctophilin 2; minus strand). Cytogenetic location: 20q13.12.
Variant type: single nucleotide variant.
Coding change: c.179T>G on transcript NM_020433.5 (MANE Select); coding-DNA position 179, T replaced by G.
Protein change: p.Phe60Cys; replaces phenylalanine 60 with cysteine.
Molecular consequence: missense variant.
Genome position (GRCh38, 1-based): chr20:44,186,527, A>C on the plus strand (T>G on the coding strand, the complement: JPH2 is on the minus strand). VCF-style: chr20-44186527-A-C. GRCh37 (hg19) VCF-style: chr20-42815167-A-C.
Other names: c.179T>G, p.Phe60Cys (NM_175913.4); short protein forms F60C.
Identifiers: ClinVar variation 3287238 (VCV003287238.1).
Genomic context (GRCh38, chr20:44,186,527, plus strand): 5'-CAGCGCCCCTTGGTCTCTATGCCCAGCCCATGCCGTTTGCCCTGGCTCCAGTATCCCTCA[A>C]AGGTGTTTCCGCTGGGCCAGGTGTAGACACCTGCCACCTCAAAGCCAAAGTTCCAGGAGC-3'
Protein context (NP_065166.2, residues 50-70): GVYTWPSGNT[Phe60Cys]EGYWSQGKRH